The following is an entry in ClinVar:

NM_052876.4(NACC1):c.1378G>A (p.Ala460Thr)

Gene: NACC1 (nucleus accumbens associated 1; plus strand). Cytogenetic location: 19p13.13.
Variant type: single nucleotide variant.
Coding change: c.1378G>A on transcript NM_052876.4 (MANE Select); coding-DNA position 1378, G replaced by A.
Protein change: p.Ala460Thr; replaces alanine 460 with threonine.
Molecular consequence: missense variant.
Genome position (GRCh38, 1-based): chr19:13,138,200, G>A. VCF-style: chr19-13138200-G-A. GRCh37 (hg19) VCF-style: chr19-13249014-G-A.
Other names: c.1378G>A (NM_052876.3, NM_052876.2); short protein forms A460T.
Identifiers: ClinVar variation 3677898 (VCV003677898.4).

ClinVar aggregate classification (germline): Uncertain significance. Review status: criteria provided, multiple submitters, no conflicts (2 of 4 stars). 3 submissions from 3 submitters: Uncertain significance (3). Last evaluated 2026-04-28.

Conditions:
Inborn genetic diseases. Identifiers: MedGen C0950123, MeSH D030342.
NACC1-related disorder. Also called: NACC1-related condition.

gnomAD v4.1: 1 of 1,614,174 alleles (0.000062%); highest among the groups gnomAD compares: Non-Finnish European, 0.000085%; no homozygotes.

Submissions (3):

Ambry Genetics
Classification: Uncertain significance for Inborn genetic diseases. Last evaluated: 2026-04-28. Review status: criteria provided, single submitter. Criteria: Ambry Variant Classification Scheme 2023. Collection method: clinical testing. Allele origin: germline.
Comment: The c.1378G>A (p.A460T) alteration is located in exon 6 (coding exon 5) of the NACC1 gene. This alteration results from a G to A substitution at nucleotide position 1378, causing the alanine (A) at amino acid position 460 to be replaced by a threonine (T). Based on data from gnomAD, the A allele has an overall frequency of 0.003% (1/31388) total alleles studied. The highest observed frequency was 0.007% (1/15428) of European (non-Finnish) alleles. Based on insufficient or conflicting evidence, the clinical significance of this alteration remains unclear.

PreventionGenetics, part of Exact Sciences
Classification: Uncertain significance for NACC1-related condition. Last evaluated: 2026-02-16. Review status: criteria provided, single submitter. Criteria: ACMG Guidelines, 2015. Collection method: clinical testing. Allele origin: germline.
Comment: The NACC1 c.1378G>A variant is predicted to result in the amino acid substitution p.Ala460Thr. To our knowledge, this variant has not been reported in the literature. This variant is reported in 0.0065% of alleles in individuals of European (Non-Finnish) descent in gnomAD. At this time, the clinical significance of this variant is uncertain due to the absence of conclusive functional and genetic evidence.

Labcorp Genetics (formerly Invitae), Labcorp
Classification: Uncertain significance. Last evaluated: 2024-11-27. Review status: criteria provided, single submitter. Criteria: Invitae Variant Classification Sherloc (09022015). Collection method: clinical testing. Allele origin: germline.
Comment: This sequence change replaces alanine, which is neutral and non-polar, with threonine, which is neutral and polar, at codon 460 of the NACC1 protein (p.Ala460Thr). This variant is present in population databases (no rsID available, gnomAD 0.007%). This variant has not been reported in the literature in individuals affected with NACC1-related conditions. Invitae Evidence Modeling of protein sequence and biophysical properties (such as structural, functional, and spatial information, amino acid conservation, physicochemical variation, residue mobility, and thermodynamic stability) indicates that this missense variant is not expected to disrupt NACC1 protein function with a negative predictive value of 80%. In summary, the available evidence is currently insufficient to determine the role of this variant in disease. Therefore, it has been classified as a Variant of Uncertain Significance.